The following is an entry in ClinVar:

ClinVar aggregate classification (germline): Uncertain significance (1 of 4 stars; one submission).

Conditions:
Developmental and epileptic encephalopathy 94 (DEE94). Also called: Epileptic encephalopathy, childhood-onset; CHD2-Related Neurodevelopmental Disorders. Identifiers: Orphanet 1942, Orphanet 2382, MedGen C3809278, MONDO:0014150, OMIM 615369.

Submission:

Labcorp Genetics (formerly Invitae), Labcorp
Classification: Uncertain significance for Developmental and epileptic encephalopathy 94. Last evaluated: 2024-11-27. Review status: criteria provided, single submitter. Criteria: Invitae Variant Classification Sherloc (09022015). Collection method: clinical testing. Allele origin: germline.
Comment: This sequence change replaces histidine, which is basic and polar, with tyrosine, which is neutral and polar, at codon 831 of the CHD2 protein (p.His831Tyr). This variant is not present in population databases (gnomAD no frequency). This variant has not been reported in the literature in individuals affected with CHD2-related conditions. Invitae Evidence Modeling of protein sequence and biophysical properties (such as structural, functional, and spatial information, amino acid conservation, physicochemical variation, residue mobility, and thermodynamic stability) indicates that this missense variant is not expected to disrupt CHD2 protein function with a negative predictive value of 95%. In summary, the available evidence is currently insufficient to determine the role of this variant in disease. Therefore, it has been classified as a Variant of Uncertain Significance.

NM_001271.4(CHD2):c.2491C>T (p.His831Tyr)

Gene: CHD2 (chromodomain helicase DNA binding protein 2; plus strand). Cytogenetic location: 15q26.1.
Variant type: single nucleotide variant.
Coding change: c.2491C>T on transcript NM_001271.4 (MANE Select); coding-DNA position 2491, C replaced by T.
Protein change: p.His831Tyr; replaces histidine 831 with tyrosine.
Molecular consequence: missense variant.
Genome position (GRCh38, 1-based): chr15:92,972,403, C>T. VCF-style: chr15-92972403-C-T. GRCh37 (hg19) VCF-style: chr15-93515633-C-T.
Other names: short protein forms H831Y.
Identifiers: ClinVar variation 3636679 (VCV003636679.2).